The following is an entry in ClinVar:

NM_018943.3(TUBA8):c.395T>C (p.Leu132Pro)

Gene: TUBA8 (tubulin alpha 8; plus strand). Cytogenetic location: 22q11.21.
Variant type: single nucleotide variant.
Coding change: c.395T>C on transcript NM_018943.3 (MANE Select); coding-DNA position 395, T replaced by C.
Protein change: p.Leu132Pro; replaces leucine 132 with proline.
Molecular consequence: missense variant.
Genome position (GRCh38, 1-based): chr22:18,126,373, T>C. VCF-style: chr22-18126373-T-C. GRCh37 (hg19) VCF-style: chr22-18609140-T-C.
Other names: c.197T>C, p.Leu66Pro (NM_001193414.2); short protein forms L132P, L66P.
Identifiers: ClinVar variation 1960402 (VCV001960402.5), dbSNP rs1286210538, ClinGen allele CA410262714.

ClinVar aggregate classification (germline): Uncertain significance (1 of 4 stars; one submission).

Allele frequency attached by ClinVar (database versions not stated): gnomAD exomes 0.00002.
gnomAD v4.1: 23 of 1,614,222 alleles (0.0014%); highest among the groups gnomAD compares: Non-Finnish European, 0.0019%; no homozygotes.

Submission:

Labcorp Genetics (formerly Invitae), Labcorp
Classification: Uncertain significance. Last evaluated: 2022-10-17. Review status: criteria provided, single submitter. Criteria: Invitae Variant Classification Sherloc (09022015). Collection method: clinical testing. Allele origin: germline.
Comment: This sequence change replaces leucine, which is neutral and non-polar, with proline, which is neutral and non-polar, at codon 132 of the TUBA8 protein (p.Leu132Pro). This variant is present in population databases (no rsID available, gnomAD 0.002%). This variant has not been reported in the literature in individuals affected with TUBA8-related conditions. Advanced modeling of protein sequence and biophysical properties (such as structural, functional, and spatial information, amino acid conservation, physicochemical variation, residue mobility, and thermodynamic stability) performed at Invitae indicates that this missense variant is not expected to disrupt TUBA8 protein function. In summary, the available evidence is currently insufficient to determine the role of this variant in disease. Therefore, it has been classified as a Variant of Uncertain Significance.